The following is an entry in ClinVar:

NM_033641.4(COL4A6):c.4358T>C (p.Phe1453Ser)

Gene: COL4A6 (collagen type IV alpha 6 chain; minus strand). Cytogenetic location: Xq22.3.
Variant type: single nucleotide variant.
Coding change: c.4358T>C on transcript NM_033641.4 (MANE Select); coding-DNA position 4358, T replaced by C.
Protein change: p.Phe1453Ser; replaces phenylalanine 1453 with serine.
Molecular consequence: missense variant.
Genome position (GRCh38, 1-based): chrX:108,160,630, A>G on the plus strand (T>C on the coding strand, the complement: COL4A6 is on the minus strand). VCF-style: chrX-108160630-A-G. GRCh37 (hg19) VCF-style: chrX-107403860-A-G.
Other names: c.4409T>C, p.Phe1470Ser (NM_001287758.2); c.4286T>C, p.Phe1429Ser (NM_001287759.2); c.4187T>C, p.Phe1396Ser (NM_001287760.2); c.4361T>C, p.Phe1454Ser (NM_001847.4); short protein forms F1429S, F1453S, F1454S, F1470S, F1396S.
Identifiers: ClinVar variation 2756228 (VCV002756228.3), dbSNP rs766804732, ClinGen allele CA10487203.

ClinVar aggregate classification (germline): Uncertain significance (1 of 4 stars; one submission).

Allele frequency attached by ClinVar (database versions not stated): ExAC 0.00001; TOPMed 0.00001.

Submission:

Labcorp Genetics (formerly Invitae), Labcorp
Classification: Uncertain significance. Last evaluated: 2023-08-29. Review status: criteria provided, single submitter. Criteria: Invitae Variant Classification Sherloc (09022015). Collection method: clinical testing. Allele origin: germline.
Comment: This variant has not been reported in the literature in individuals affected with COL4A6-related conditions. This variant is present in population databases (rs766804732, gnomAD 0.003%). This sequence change replaces phenylalanine, which is neutral and non-polar, with serine, which is neutral and polar, at codon 1454 of the COL4A6 protein (p.Phe1454Ser). Advanced modeling of protein sequence and biophysical properties (such as structural, functional, and spatial information, amino acid conservation, physicochemical variation, residue mobility, and thermodynamic stability) performed at Invitae indicates that this missense variant is not expected to disrupt COL4A6 protein function. In summary, the available evidence is currently insufficient to determine the role of this variant in disease. Therefore, it has been classified as a Variant of Uncertain Significance.